The following is an entry in ClinVar:

ClinVar aggregate classification (germline): Uncertain significance (1 of 4 stars; one submission).

Conditions:
Epileptic encephalopathy. Identifiers: MedGen C0543888, HP:0200134.

Allele frequency attached by ClinVar (database versions not stated): gnomAD exomes below 0.00001; ExAC 0.00001; gnomAD 0.00002; TOPMed 0.00002; ESP Exome Variant Server 0.00008.
gnomAD v4.1: 5 of 1,612,256 alleles (0.00031%); highest among the groups gnomAD compares: African/African-American, 0.0053%; no homozygotes.

Submission:

Labcorp Genetics (formerly Invitae), Labcorp
Classification: Uncertain significance for Epileptic encephalopathy. Last evaluated: 2024-10-23. Review status: criteria provided, single submitter. Criteria: Invitae Variant Classification Sherloc (09022015). Collection method: clinical testing. Allele origin: germline.
Comment: This sequence change replaces alanine, which is neutral and non-polar, with valine, which is neutral and non-polar, at codon 2419 of the FASN protein (p.Ala2419Val). This variant is present in population databases (rs369341170, gnomAD 0.007%). This variant has not been reported in the literature in individuals affected with FASN-related conditions. ClinVar contains an entry for this variant (Variation ID: 2183771). An algorithm developed to predict the effect of missense changes on protein structure and function (PolyPhen-2) suggests that this variant is likely to be disruptive. In summary, the available evidence is currently insufficient to determine the role of this variant in disease. Therefore, it has been classified as a Variant of Uncertain Significance.

NM_004104.5(FASN):c.7256C>T (p.Ala2419Val)

Genes: FASN (fatty acid synthase; minus strand), LOC129390948 (MPRA-validated peak3028 silencer; plus strand). Cytogenetic location: 17q25.3.
Variant type: single nucleotide variant.
Coding change: c.7256C>T on transcript NM_004104.5 (MANE Select); coding-DNA position 7256, C replaced by T.
Protein change: p.Ala2419Val; replaces alanine 2419 with valine.
Molecular consequence: missense variant.
Genome position (GRCh38, 1-based): chr17:82,079,499, G>A on the plus strand (C>T on the coding strand, the complement: FASN is on the minus strand). VCF-style: chr17-82079499-G-A. GRCh37 (hg19) VCF-style: chr17-80037375-G-A.
Other names: short protein forms A2419V.
Identifiers: ClinVar variation 2183771 (VCV002183771.4), dbSNP rs369341170, ClinGen allele CA8851056.